The following is an entry in ClinVar:

ClinVar aggregate classification (germline): Uncertain significance. Review status: criteria provided, multiple submitters, no conflicts (2 of 4 stars). 2 submissions from 2 submitters: Uncertain significance (2). Last evaluated 2025-03-25.

Conditions:
Inborn genetic diseases. Identifiers: MedGen C0950123, MeSH D030342.

Allele frequency attached by ClinVar (database versions not stated): gnomAD 0.00001; gnomAD exomes 0.00001; ExAC 0.00002; TOPMed 0.00002; ESP Exome Variant Server 0.00008.
gnomAD v4.1: 13 of 1,613,976 alleles (0.00081%); highest among the groups gnomAD compares: African/African-American, 0.0027%; no homozygotes.

Submissions (2):

Ambry Genetics
Classification: Uncertain significance for Inborn genetic diseases. Last evaluated: 2025-03-25. Review status: criteria provided, single submitter. Criteria: Ambry Variant Classification Scheme 2023. Collection method: clinical testing. Allele origin: germline.

Labcorp Genetics (formerly Invitae), Labcorp
Classification: Uncertain significance. Last evaluated: 2022-08-05. Review status: criteria provided, single submitter. Criteria: Invitae Variant Classification Sherloc (09022015). Collection method: clinical testing. Allele origin: germline.
Comment: In summary, the available evidence is currently insufficient to determine the role of this variant in disease. Therefore, it has been classified as a Variant of Uncertain Significance. Algorithms developed to predict the effect of missense changes on protein structure and function are either unavailable or do not agree on the potential impact of this missense change (SIFT: "Deleterious"; PolyPhen-2: "Probably Damaging"; Align-GVGD: "Class C15"). This variant has not been reported in the literature in individuals affected with PPM1D-related conditions. This variant is present in population databases (rs145410676, gnomAD 0.0009%). This sequence change replaces arginine, which is basic and polar, with cysteine, which is neutral and slightly polar, at codon 357 of the PPM1D protein (p.Arg357Cys).

NM_003620.4(PPM1D):c.1069C>T (p.Arg357Cys)

Gene: PPM1D (protein phosphatase, Mg2+/Mn2+ dependent 1D; plus strand). Cytogenetic location: 17q23.2.
Variant type: single nucleotide variant.
Coding change: c.1069C>T on transcript NM_003620.4 (MANE Select); coding-DNA position 1069, C replaced by T.
Protein change: p.Arg357Cys; replaces arginine 357 with cysteine.
Molecular consequence: missense variant.
Genome position (GRCh38, 1-based): chr17:60,656,650, C>T. VCF-style: chr17-60656650-C-T. GRCh37 (hg19) VCF-style: chr17-58734011-C-T.
Other names: short protein forms R357C.
Identifiers: ClinVar variation 2159684 (VCV002159684.5), dbSNP rs145410676, ClinGen allele CA8687669.